The following is an entry in ClinVar:

NM_004456.5(EZH2):c.745G>A (p.Glu249Lys)

Gene: EZH2 (enhancer of zeste 2 polycomb repressive complex 2 subunit; minus strand). Cytogenetic location: 7q36.1.
Variant type: single nucleotide variant.
Coding change: c.745G>A on transcript NM_004456.5 (MANE Select); coding-DNA position 745, G replaced by A.
Protein change: p.Glu249Lys; replaces glutamic acid 249 with lysine.
Molecular consequence: missense variant.
Genome position (GRCh38, 1-based): chr7:148,826,616, C>T on the plus strand (G>A on the coding strand, the complement: EZH2 is on the minus strand). VCF-style: chr7-148826616-C-T. GRCh37 (hg19) VCF-style: chr7-148523708-C-T.
Other names: c.745G>A, p.Glu249Lys (NM_001203247.2); c.718G>A, p.Glu240Lys (NM_001203248.2, NM_001203249.2); c.628G>A, p.Glu210Lys (NM_152998.3); short protein forms E249K, E210K, E240K.
Identifiers: ClinVar variation 377286 (VCV000377286.4), dbSNP rs1057520183, ClinGen allele CA16603326.

ClinVar aggregate classification (germline): Uncertain significance. Review status: criteria provided, multiple submitters, no conflicts (2 of 4 stars). 2 submissions from 2 submitters: Uncertain significance (2). Last evaluated 2016-07-21.

Submissions (2):

Center for Pediatric Genomic Medicine, Children's Mercy Hospital and Clinics
Classification: Uncertain significance. Last evaluated: 2016-07-21. Review status: criteria provided, single submitter. Criteria: ACMG Guidelines, 2015. Collection method: clinical testing. Allele origin: germline.
ClinVar note: Converted during submission from Uncertain Significance to Uncertain significance.

GeneDx
Classification: Uncertain significance. Last evaluated: 2015-05-29. Review status: criteria provided, single submitter. Criteria: GeneDx Variant Classification (06012015). Collection method: clinical testing. Allele origin: germline. Affected: yes.
Comment: Although, the E249K variant has been previously reported as an acquired, somatic variant in an individual with myelodysplastic syndrome, (Nikoloski et al., 2010), to our knowledge, it has not been published as a pathogenic variant associated with Weaver syndrome. It was not observed in approximately 6,500 individuals of European and African American ancestry in the NHLBI Exome Sequencing Project, indicating it is not a common benign variant in these populations The E249K variant is a non-conservative amino acid substitution, which is likely to impact secondary protein structure as these residues differ in polarity, charge, size and/or other properties. This substitution occurs at a position that is conserved across species. However, missense variants in nearby residues have not been reported in the Human Gene Mutation Database in association with Weaver syndrome (Stenson et al., 2014). In silico analysis is inconsistent in its predictions as to whether or not the variant is damaging to the protein structure/function. Therefore, based on the currently available information, it is unclear whether this variant is a pathogenic or a rare benign variant.